The following is an entry in ClinVar:

ClinVar aggregate classification (germline): Likely pathogenic. Review status: criteria provided, multiple submitters, no conflicts (2 of 4 stars). 2 submissions from 2 submitters: Likely pathogenic (2). Last evaluated 2024-05-13.

Conditions:
Mucolipidosis type IV (ML4). Also called: ML IV. Identifiers: Orphanet 578, MedGen C0238286, MONDO:0009653, OMIM 252650.

Submissions (2):

Natera, Inc.
Classification: Likely pathogenic for Mucolipidosis type IV. Last evaluated: 2024-05-13. Review status: criteria provided, single submitter. Criteria: Natera Variant Classification Schema (03/2026). Collection method: clinical testing. Allele origin: germline.
Comment: The c.878-26_878-1del variant in MCOLN1 is a frameshift variant predicted to shift the reading frame and introduce a stop codon. This variant is expected to result in nonsense mediated decay, truncation, or a dysfunctional protein product. This variant is rare in the general population with a frequency below the threshold expected for the associated phenotype(s). Given the available evidence, this variant is classified as Likely Pathogenic.

Juno Genomics, Hangzhou Juno Genomics, Inc
Classification: Likely pathogenic for Mucolipidosis type IV. Review status: criteria provided, single submitter. Criteria: ACMG Guidelines, 2015. Collection method: clinical testing. Allele origin: germline.
Comment: Null variant in a gene where loss of function (LOF) is a known mechanism of disease.;Absent from controls (or at extremely low frequency if recessive) in Genome Aggregation Database.

NM_020533.3(MCOLN1):c.878-26_878-1del

Gene: MCOLN1 (mucolipin TRP cation channel 1; plus strand). Cytogenetic location: 19p13.2.
Variant type: Deletion.
Coding change: c.878-26_878-1del on transcript NM_020533.3 (MANE Select); 26 bases into the intron before coding-DNA position 878 through the canonical splice acceptor site of the intron before coding-DNA position 878, 26 bases deleted (CCCTACCCGCTCTGCCCTCCCCGCAG).
Molecular consequence: splice acceptor variant.
Genome position (GRCh38, 1-based): chr19:7,528,571-7,528,596, CCCTACCCGCTCTGCCCTCCCCGCAG deleted; deleting any 26 consecutive bases within chr19:7,528,570-7,528,596 gives the same sequence; the c. name uses the placement nearest the transcript's 3' end. VCF-style (leftmost placement, unchanged base first): chr19-7528569-GGCCCTACCCGCTCTGCCCTCCCCGCA-G. GRCh37 (hg19) VCF-style: chr19-7593455-GGCCCTACCCGCTCTGCCCTCCCCGCA-G.
Identifiers: ClinVar variation 4816068 (VCV004816068.3).
Genomic context (GRCh38, chr19:7,528,569, plus strand): 5'-CCTAGGTCTCCAGCCTGGCCTGGCACCAATGCTAGCCTCCCAAGGCTCCATGCCATCCTT[GGCCCTACCCGCTCTGCCCTCCCCGCA>G]GGAGACAACAGCTTCCGGCTCCTGTTTGACGTGGTGGTCATCCTCACCTGCTCCCTGTCC-3'